The following is an entry in ClinVar:

NM_001384732.1(CPLANE1):c.3635T>C (p.Ile1212Thr)

Gene: CPLANE1 (ciliogenesis and planar polarity effector complex subunit 1; minus strand). Cytogenetic location: 5p13.2.
Variant type: single nucleotide variant.
Coding change: c.3635T>C on transcript NM_001384732.1 (MANE Select); coding-DNA position 3635, T replaced by C.
Protein change: p.Ile1212Thr; replaces isoleucine 1212 with threonine.
Molecular consequence: missense variant.
Genome position (GRCh38, 1-based): chr5:37,198,739, A>G on the plus strand (T>C on the coding strand, the complement: CPLANE1 is on the minus strand). VCF-style: chr5-37198739-A-G. GRCh37 (hg19) VCF-style: chr5-37198841-A-G.
Other names: c.3635T>C, p.Ile1212Thr (NM_023073.4); short protein forms I1212T.
Identifiers: ClinVar variation 3361294 (VCV003361294.1).

ClinVar aggregate classification (germline): Uncertain significance (1 of 4 stars; one submission).

gnomAD v4.1: 2 of 1,614,092 alleles (0.00012%); highest among the groups gnomAD compares: African/African-American, 0.0013%; no homozygotes.

Submission:

GeneDx
Classification: Uncertain significance. Last evaluated: 2023-07-24. Review status: criteria provided, single submitter. Criteria: GeneDx Variant Classification Process June 2021. Collection method: clinical testing. Allele origin: germline. Affected: yes.
Comment: Not observed at significant frequency in large population cohorts (gnomAD); In silico analysis supports that this missense variant has a deleterious effect on protein structure/function; Has not been previously published as pathogenic or benign to our knowledge